The following is an entry in ClinVar:

NM_000263.4(NAGLU):c.1946G>A (p.Trp649Ter)

Gene: NAGLU (N-acetyl-alpha-glucosaminidase; plus strand). Cytogenetic location: 17q21.2.
Variant type: single nucleotide variant.
Coding change: c.1946G>A on transcript NM_000263.4 (MANE Select); coding-DNA position 1946, G replaced by A.
Protein change: p.Trp649Ter; replaces tryptophan 649 with a stop codon.
Molecular consequence: nonsense.
Genome position (GRCh38, 1-based): chr17:42,543,952, G>A. VCF-style: chr17-42543952-G-A. GRCh37 (hg19) VCF-style: chr17-40695970-G-A.
Other names: short protein forms W649*.
Identifiers: ClinVar variation 660650 (VCV000660650.10), dbSNP rs527236038, ClinGen allele CA399605584.
Genomic context (GRCh38, chr17:42,543,952, plus strand): 5'-CAGTCAGTGAGGCCGAGGCCGATTTCTACGAGCAGAACAGCCGCTACCAGCTGACCTTGT[G>A]GGGGCCAGAAGGCAACATCCTGGACTATGCCAACAAGCAGCTGGCGGGGTTGGTGGCCAA-3'

ClinVar aggregate classification (germline): Likely pathogenic (1 of 4 stars; one submission).

Conditions:
Mucopolysaccharidosis, MPS-III-B (MPS3B). Also called: MPS III B; MUCOPOLYSACCHARIDOSIS, TYPE IIIB; N-ACETYL-ALPHA-D-GLUCOSAMINIDASE DEFICIENCY; NAGLU DEFICIENCY; SANFILIPPO SYNDROME B; Mucopolysaccharidosis type IIIB (Sanfilippo B). Identifiers: Orphanet 79270, MedGen C0086648, MONDO:0009656, OMIM 252920.
Charcot-Marie-Tooth disease axonal type 2V. Also called: CHARCOT-MARIE-TOOTH NEUROPATHY, TYPE 2V; CHARCOT-MARIE-TOOTH DISEASE, AXONAL, AUTOSOMAL DOMINANT, TYPE 2V. Identifiers: Orphanet 447964, MedGen C5569050, MONDO:0014665, OMIM 616491.

Allele frequency attached by ClinVar (database versions not stated): TOPMed below 0.00001; gnomAD 0.00001.

Submission:

Labcorp Genetics (formerly Invitae), Labcorp
Classification: Likely pathogenic for Charcot-Marie-Tooth disease axonal type 2V; Mucopolysaccharidosis, MPS-III-B. Last evaluated: 2022-04-08. Review status: criteria provided, single submitter. Criteria: Invitae Variant Classification Sherloc (09022015). Collection method: clinical testing. Allele origin: germline.
Comment: In summary, the currently available evidence indicates that the variant is pathogenic, but additional data are needed to prove that conclusively. Therefore, this variant has been classified as Likely Pathogenic. This variant disrupts the C-terminus of the NAGLU protein. Other variant(s) that disrupt this region (p.Trp675*, p.Arg674His, p.Arg674Cys, p.Gln706*) have been observed in individuals with NAGLU-related conditions (PMID: 9443875). This suggests that this may be a clinically significant region of the protein. Algorithms developed to predict the effect of sequence changes on RNA splicing suggest that this variant may create or strengthen a splice site. ClinVar contains an entry for this variant (Variation ID: 660650). This variant has not been reported in the literature in individuals affected with NAGLU-related conditions. This variant is not present in population databases (gnomAD no frequency). This sequence change creates a premature translational stop signal (p.Trp649*) in the NAGLU gene. While this is not anticipated to result in nonsense mediated decay, it is expected to disrupt the last 95 amino acid(s) of the NAGLU protein.

Literature cited by the submitters: PubMed 9443875.